The following is an entry in ClinVar:

NM_007294.4(BRCA1):c.836A>T (p.His279Leu)

Gene: BRCA1 (BRCA1 DNA repair associated; minus strand). Cytogenetic location: 17q21.31.
Variant type: single nucleotide variant.
Coding change: c.836A>T on transcript NM_007294.4 (MANE Select); coding-DNA position 836, A replaced by T.
Protein change: p.His279Leu; replaces histidine 279 with leucine.
Molecular consequence: missense variant. On other transcripts: 5 prime UTR variant (2), intron variant (137).
Genome position (GRCh38, 1-based): chr17:43,094,695, T>A on the plus strand (A>T on the coding strand, the complement: BRCA1 is on the minus strand). VCF-style: chr17-43094695-T-A. GRCh37 (hg19) VCF-style: chr17-41246712-T-A.
Other names: c.836A>T, p.His279Leu (NM_001407623.1, NM_001407624.1, NM_001407625.1 and 30 more transcripts); c.833A>T, p.His278Leu (NM_001407627.1, NM_001407628.1, NM_001407629.1 and 22 more transcripts); c.827A>T, p.His276Leu (NM_001407646.1, NM_001407647.1); c.713A>T, p.His238Leu (NM_001407648.1, NM_001407664.1, NM_001407665.1 and 19 more transcripts); c.710A>T, p.His237Leu (NM_001407649.1, NM_001407670.1, NM_001407671.1 and 11 more transcripts); c.758A>T, p.His253Leu (NM_001407653.1, NM_001407654.1, NM_001407655.1 and 4 more transcripts); c.755A>T, p.His252Leu (NM_001407659.1, NM_001407660.1, NM_001407661.1 and 1 more transcripts); c.695A>T, p.His232Leu (NM_001407692.1, NM_001407694.1, NM_001407695.1 and 29 more transcripts); and 40 more; short protein forms H279L, H232L, H167L, H191L, H278L, H208L, H211L, H231L.
Identifiers: ClinVar variation 479199 (VCV000479199.8), dbSNP rs80357482, ClinGen allele CA10600411.
Genomic context (GRCh38, chr17:43,094,695, plus strand): 5'-ACATTCATTCTGTCTTTAGTGAGTAATAAACTGCTGTTCTCATGCTGTAATGAGCTGGCA[T>A]GAGTATTTGTGCCACATGGCTCCACATGCAAGTTTGAAACAGAACTACCCTGATACTTTT-3'
Protein context (NP_009225.1, residues 269-289): LHVEPCGTNT[His279Leu]ASSLQHENSS

ClinVar aggregate classification (germline): Conflicting classifications of pathogenicity. Review status: criteria provided, conflicting classifications (1 of 4 stars). 2 submissions from 2 submitters: Uncertain significance (1); Likely benign (1). Last evaluated 2023-03-23.

Conditions:
Hereditary cancer-predisposing syndrome. Also called: Neoplastic Syndromes, Hereditary; Hereditary Cancer Syndrome; Hereditary neoplastic syndrome; Tumor predisposition. Identifiers: Orphanet 140162, MedGen C0027672, MeSH D009386, MONDO:0015356.

Submissions (2):

University of Washington Department of Laboratory Medicine, University of Washington
Classification: Likely benign for Hereditary cancer-predisposing syndrome. Last evaluated: 2023-03-23. Review status: criteria provided, single submitter. Criteria: Dines et al. (Genet Med. 2020). Collection method: curation. Allele origin: germline.
Comment: Missense variant in a coldspot region where missense variants are very unlikely to be pathogenic (PMID:31911673).

BRCA1 coldspot (exon 11 using historical exon numbering). Reclassification based on statistical prior probability

Ambry Genetics
Classification: Uncertain significance for Hereditary cancer-predisposing syndrome. Last evaluated: 2016-01-25. Review status: criteria provided, single submitter. Criteria: Ambry Variant Classification Scheme 2023. Collection method: clinical testing. Allele origin: germline.
Comment: The p.H279L variant (also known as c.836A>T), located in coding exon 9 of the BRCA1 gene, results from an A to T substitution at nucleotide position 836. The histidine at codon 279 is replaced by leucine, an amino acid with similar properties. This variant was not reported in population based cohorts in the following databases: Database of Single Nucleotide Polymorphisms (dbSNP), NHLBI Exome Sequencing Project (ESP), and 1000 Genomes Project. In the ESP, this variant was not observed in 6503 samples (13006 alleles) with coverage at this position. To date, this alteration has been detected with an allele frequency of approximately 0.0004% (greater than 225000 alleles tested) in our clinical cohort. This amino acid position is not well conserved in available vertebrate species. In addition, the in silico prediction for this alteration is inconclusive. Since supporting evidence is limited at this time, the clinical significance of this alteration remains unclear.